The following is an entry in ClinVar:

NM_000203.5(IDUA):c.1452C>A (p.Asp484Glu)

Gene: IDUA (alpha-L-iduronidase; plus strand). Cytogenetic location: 4p16.3.
Variant type: single nucleotide variant.
Coding change: c.1452C>A on transcript NM_000203.5 (MANE Select); coding-DNA position 1452, C replaced by A.
Protein change: p.Asp484Glu; replaces aspartic acid 484 with glutamic acid.
Molecular consequence: missense variant. On other transcripts: non-coding transcript variant (1).
Genome position (GRCh38, 1-based): chr4:1,003,085, C>A. VCF-style: chr4-1003085-C-A. GRCh37 (hg19) VCF-style: chr4-996873-C-A.
Other names: c.1452C>A (NM_000203.4); c.1056C>A, p.Asp352Glu (NM_001363576.1); short protein forms D484E, D352E.
Identifiers: ClinVar variation 905462 (VCV000905462.5), dbSNP rs4690224, ClinGen allele CA2802268.

ClinVar aggregate classification (germline): Uncertain significance. Review status: criteria provided, multiple submitters, no conflicts (2 of 4 stars). 2 submissions from 2 submitters: Uncertain significance (2). Last evaluated 2026-06-22.

Conditions:
IDUA-related disorder. Also called: IDUA-related condition.
Mucopolysaccharidosis type 1. Also called: IDUA deficiency; MPS I; Mucopolysaccharidosis Type I. Identifiers: Orphanet 579, MedGen C0023786, MONDO:0001586.

Allele frequency attached by ClinVar (database versions not stated): gnomAD 0.00001 and 0.00005; gnomAD exomes 0.00002; TOPMed 0.00002; ExAC 0.00006; 1000 Genomes Project 30x 0.00047; 1000 Genomes Project 0.00060.
gnomAD v4.1: 149 of 1,519,952 alleles (0.0098%); highest among the groups gnomAD compares: East Asian, 0.39%; no homozygotes.

Submissions (2):

PreventionGenetics, part of Exact Sciences
Classification: Uncertain significance for IDUA-related condition. Last evaluated: 2026-06-22. Review status: criteria provided, single submitter. Criteria: ACMG Guidelines, 2015. Collection method: clinical testing. Allele origin: germline.
Comment: The IDUA c.1452C>A variant is predicted to result in the amino acid substitution p.Asp484Glu. To our knowledge, this variant has not been reported in the literature. This variant is reported in 0.035% of alleles in individuals of East Asian descent in gnomAD. At this time, the clinical significance of this variant is uncertain due to the absence of conclusive functional and genetic evidence.

Illumina Laboratory Services, Illumina
Classification: Uncertain significance for Mucopolysaccharidosis type 1. Last evaluated: 2018-01-12. Review status: criteria provided, single submitter. Criteria: ICSL Variant Classification Criteria 13 December 2019. Collection method: clinical testing. Allele origin: germline.